The following is an entry in ClinVar:

NM_000321.3(RB1):c.380+3A>T

Gene: RB1 (RB transcriptional corepressor 1; plus strand). Cytogenetic location: 13q14.2.
Variant type: single nucleotide variant.
Coding change: c.380+3A>T on transcript NM_000321.3 (MANE Select); 3 bases into the intron after coding-DNA position 380, A replaced by T.
Molecular consequence: intron variant.
Genome position (GRCh38, 1-based): chr13:48,342,717, A>T. VCF-style: chr13-48342717-A-T. GRCh37 (hg19) VCF-style: chr13-48916853-A-T.
Identifiers: ClinVar variation 527904 (VCV000527904.7), dbSNP rs1555282811, ClinGen allele CA658798139.
Genomic context (GRCh38, chr13:48,342,717, plus strand): 5'-TTGACCTAGATGAGATGTCGTTCACTTTTACTGAGCTACAGAAAAACATAGAAATCAGGT[A>T]AAGTTTCTTGTATAAATATAAGCCTCTGCCATAAAAGGAAACGAATTCTGGATTTTCCTC-3'

ClinVar aggregate classification (germline): Pathogenic. Review status: criteria provided, multiple submitters, no conflicts (2 of 4 stars). 2 submissions from 2 submitters: Pathogenic (2). Last evaluated 2026-07-30.

Conditions:
Retinoblastoma (RB1). Also called: RETINOBLASTOMA, SOMATIC. Identifiers: Orphanet 790, MedGen C0035335, MeSH D012175, MONDO:0008380, OMIM 180200, HP:0009919. Disease mechanism: loss of function. Inheritance: Both sporadic and heritable forms are tested..
Hereditary cancer-predisposing syndrome. Also called: Hereditary Cancer Syndrome; Tumor predisposition; Hereditary neoplastic syndrome; Neoplastic Syndromes, Hereditary. Identifiers: Orphanet 140162, MedGen C0027672, MeSH D009386, MONDO:0015356.

Submissions (2):

Ambry Genetics
Classification: Pathogenic for Hereditary cancer-predisposing syndrome. Last evaluated: 2026-07-30. Review status: criteria provided, single submitter. Criteria: Ambry Variant Classification Scheme 2023. Collection method: clinical testing. Allele origin: germline.
Comment: The c.380+3A>T intronic variant results from an A to T substitution 3 nucleotides after coding exon 3 in the RB1 gene. This variant was reported in individuals with features consistent with RB1-related retinoblastoma (Ambry internal data; Zhang K et al. Hum Mutat, 2008 Apr;29:475-84; Rodr&iacute;guez-Mart&iacute;n C et al. J Hum Genet, 2020 Jan;65:165-174). In silico splice site analysis predicts that this alteration may weaken the native splice donor site. RNA studies have demonstrated that this variant results in abnormal splicing in the set of samples tested (Ambry internal data). This variant is considered to be rare based on population cohorts in the Genome Aggregation Database (gnomAD). Based on the supporting evidence, this variant is interpreted as a disease-causing mutation.

Labcorp Genetics (formerly Invitae), Labcorp
Classification: Pathogenic for Retinoblastoma. Last evaluated: 2018-01-03. Review status: criteria provided, single submitter. Criteria: Invitae Variant Classification Sherloc (09022015). Collection method: clinical testing. Allele origin: germline.
Comment: For these reasons, this variant has been classified as Pathogenic. Nucleotide substitutions within the consensus splice site are a relatively common cause of aberrant splicing (PMID: 17576681, 9536098). An experimental study has reported that this sequence change results in the skipping of exon 3 (PMID: 18181215). This variant has been reported to be de novo in an individual affected with bilateral retinoblastoma (Invitae). It has also been reported in individuals affected with bilateral retinoblastoma in the literature (PMID: 18181215) and the Leiden Open-source Variation Database (PMID: 21520333). This variant is also known as g.39564A>T IVS3+3 in the literature. This variant is not present in population databases (ExAC no frequency). This sequence change falls in intron 3 of the RB1 gene. It does not directly change the encoded amino acid sequence of the RB1 protein, but it affects a nucleotide within the consensus splice site of the intron.

Literature cited by the submitters: PubMed 18181215 (cited by Ambry Genetics and Labcorp Genetics (formerly Invitae), Labcorp); PubMed 31772335 (cited by Ambry Genetics); PubMed 17576681 (cited by Labcorp Genetics (formerly Invitae), Labcorp); PubMed 9536098 (cited by Labcorp Genetics (formerly Invitae), Labcorp); PubMed 21520333 (cited by Labcorp Genetics (formerly Invitae), Labcorp).